The following is an entry in ClinVar:

ClinVar aggregate classification (germline): Likely benign (0 of 4 stars; one submission).

Conditions:
LAMB1-related disorder. Also called: LAMB1-related condition.

gnomAD v4.1: 2 of 1,612,872 alleles (0.00012%); highest among the groups gnomAD compares: Admixed American, 0.0033%; no homozygotes.

Submission:

PreventionGenetics, part of Exact Sciences
Classification: Likely benign for LAMB1-related condition. Last evaluated: 2021-08-16. Review status: no assertion criteria provided. Collection method: clinical testing. Allele origin: germline.
Comment: This variant is classified as likely benign based on ACMG/AMP sequence variant interpretation guidelines (Richards et al. 2015 PMID: 25741868, with internal and published modifications).

NM_002291.3(LAMB1):c.171G>A (p.Gly57=)

Gene: LAMB1 (laminin subunit beta 1; minus strand). Cytogenetic location: 7q31.1.
Variant type: single nucleotide variant.
Coding change: c.171G>A on transcript NM_002291.3 (MANE Select); coding-DNA position 171, G replaced by A.
Protein change: p.Gly57=; no amino-acid change (glycine 57 retained).
Molecular consequence: synonymous variant.
Genome position (GRCh38, 1-based): chr7:108,001,600, C>T on the plus strand (G>A on the coding strand, the complement: LAMB1 is on the minus strand). VCF-style: chr7-108001600-C-T. GRCh37 (hg19) VCF-style: chr7-107642045-C-T.
Identifiers: ClinVar variation 3057879 (VCV003057879.2), dbSNP rs1335590170, ClinGen allele CA457207163.
Genomic context (GRCh38, chr7:108,001,600, plus strand): 5'-CCCGCTCTCAGCCCTCACCTGCAAGTGGCTGACGATACAGTAGGGTTCGGGCTTGTGCAG[C>T]CCGCACGTCGAGGTCACCGAAAGCTTCTGTGCTCGGCCGATGAGAAGGTCGCCCGTGGCG-3'
Protein context (NP_002282.2, residues 47-67): AQKLSVTSTC[Gly57=]LHKPEPYCIV